The following is an entry in ClinVar:

NM_000264.5(PTCH1):c.2816C>T (p.Ala939Val)

Gene: PTCH1 (patched 1; minus strand). Cytogenetic location: 9q22.32.
Variant type: single nucleotide variant.
Coding change: c.2816C>T on transcript NM_000264.5 (MANE Select); coding-DNA position 2816, C replaced by T.
Protein change: p.Ala939Val; replaces alanine 939 with valine.
Molecular consequence: missense variant. On other transcripts: non-coding transcript variant (1).
Genome position (GRCh38, 1-based): chr9:95,459,671, G>A on the plus strand (C>T on the coding strand, the complement: PTCH1 is on the minus strand). VCF-style: chr9-95459671-G-A. GRCh37 (hg19) VCF-style: chr9-98221953-G-A.
Other names: c.2618C>T, p.Ala873Val (NM_001083602.3); c.2813C>T, p.Ala938Val (NM_001083603.3); c.2363C>T, p.Ala788Val (NM_001083604.3, NM_001083605.3, NM_001083606.3 and 1 more transcripts); c.2660C>T, p.Ala887Val (NM_001354918.2); short protein forms A887V, A873V, A939V, A788V, A938V.
Identifiers: ClinVar variation 4842285 (VCV004842285.1).

ClinVar aggregate classification (germline): Uncertain significance (1 of 4 stars; one submission).

Conditions:
Hereditary cancer-predisposing syndrome. Also called: Neoplastic Syndromes, Hereditary; Tumor predisposition; Hereditary Cancer Syndrome; Hereditary neoplastic syndrome. Identifiers: Orphanet 140162, MedGen C0027672, MeSH D009386, MONDO:0015356.

Submission:

Ambry Genetics
Classification: Uncertain significance for Hereditary cancer-predisposing syndrome. Last evaluated: 2025-12-23. Review status: criteria provided, single submitter. Criteria: Ambry Variant Classification Scheme 2023. Collection method: clinical testing. Allele origin: germline.
Comment: The p.A939V variant (also known as c.2816C>T), located in coding exon 17 of the PTCH1 gene, results from a C to T substitution at nucleotide position 2816. The alanine at codon 939 is replaced by valine, an amino acid with similar properties. This amino acid position is conserved. In addition, this alteration is predicted to be deleterious by in silico analysis. Based on the available evidence, the clinical significance of this variant remains unclear.